The following is an entry in ClinVar:

NM_001291303.3(FAT4):c.3424G>A (p.Val1142Met)

Gene: FAT4 (FAT atypical cadherin 4; plus strand). Cytogenetic location: 4q28.1.
Variant type: single nucleotide variant.
Coding change: c.3424G>A on transcript NM_001291303.3 (MANE Select); coding-DNA position 3424, G replaced by A.
Protein change: p.Val1142Met; replaces valine 1142 with methionine.
Molecular consequence: missense variant.
Genome position (GRCh38, 1-based): chr4:125,319,835, G>A. VCF-style: chr4-125319835-G-A. GRCh37 (hg19) VCF-style: chr4-126240990-G-A.
Other names: c.3424G>A, p.Val1142Met (NM_001291285.3, NM_024582.6); c.3424G>A (NM_001291303.1); short protein forms V1142M.
Identifiers: ClinVar variation 449266 (VCV000449266.15), dbSNP rs202188213, ClinGen allele CA3072307.

ClinVar aggregate classification (germline): Conflicting classifications of pathogenicity. Review status: criteria provided, conflicting classifications (1 of 4 stars). 6 submissions from 6 submitters: Uncertain significance (2); Likely benign (3). 1 of the submissions does not count toward it. Last evaluated 2026-01-26.

Conditions:
FAT4-related disorder. Also called: FAT4-related condition.

Allele frequency attached by ClinVar (database versions not stated): gnomAD exomes 0.00012 and 0.00033; ExAC 0.00041; gnomAD 0.00127 and 0.00140; ESP Exome Variant Server 0.00149; TOPMed 0.00158.
gnomAD v4.1: 388 of 1,614,030 alleles (0.024%); highest among the groups gnomAD compares: African/African-American, 0.44%; 1 homozygote.

Submissions (6):

Labcorp Genetics (formerly Invitae), Labcorp
Classification: Likely benign. Last evaluated: 2026-01-26. Review status: criteria provided, single submitter. Criteria: Invitae Variant Classification Sherloc (09022015). Collection method: clinical testing. Allele origin: germline.

Blueprint Genetics
Classification: Likely benign. Last evaluated: 2024-09-13. Review status: criteria provided, single submitter. Criteria: ACMG Guidelines, 2015. Collection method: clinical testing. Allele origin: germline.

Women's Health and Genetics/Laboratory Corporation of America, LabCorp
Classification: Uncertain significance. Last evaluated: 2024-03-06. Review status: criteria provided, single submitter. Criteria: LabCorp Variant Classification Summary - May 2015. Collection method: clinical testing. Allele origin: germline.
Comment: Variant summary: FAT4 c.3424G>A (p.Val1142Met) results in a conservative amino acid change located in the cadherin-like domain (IPR002126) of the encoded protein sequence. Five of five in-silico tools predict a benign effect of the variant on protein function. The variant allele was found at a frequency of 0.00024 in 1614030 control chromosomes in the gnomAD database, including 1 homozygotes. To our knowledge, no occurrence of c.3424G>A in individuals affected with FAT4-Related Disorders and no experimental evidence demonstrating its impact on protein function have been reported. ClinVar contains an entry for this variant (Variation ID: 449266). Based on the evidence outlined above, the variant was classified as VUS-possibly benign.

GeneDx
Classification: Likely benign. Last evaluated: 2023-09-01. Review status: criteria provided, single submitter. Criteria: GeneDx Variant Classification Process June 2021. Collection method: clinical testing. Allele origin: germline. Affected: yes.
Comment: See Variant Classification Assertion Criteria.

Seattle Children's Hospital Molecular Genetics Laboratory, Seattle Children's Hospital
Classification: Uncertain significance. Last evaluated: 2020-07-23. Review status: criteria provided, single submitter. Criteria: ACMG Guidelines, 2015. Collection method: clinical testing. Allele origin: germline. Affected: yes.
Comment: This variant has not been reported in the medical literature in individuals with FAT4-related disease. The p.Val1142Met substitutes the valine with methionine at position 1142 of the protein. Most in silico tools predict this change is tolerated. There are 10 benign predictions from DANN, DEOGEN2, EIGEN, M-CAP, MVP, MutationAssessor, MutationTaster, PrimateAI, REVEL and SIFT versus 1 pathogenic prediction from FATHMM-MKL.

PreventionGenetics, part of Exact Sciences
Classification: Likely benign for FAT4-related condition. Last evaluated: 2022-03-02. Review status: no assertion criteria provided. Collection method: clinical testing. Allele origin: germline. Not counted in ClinVar's aggregate classification.
Comment: This variant is classified as likely benign based on ACMG/AMP sequence variant interpretation guidelines (Richards et al. 2015 PMID: 25741868, with internal and published modifications).